The following is an entry in ClinVar:

ClinVar aggregate classification (germline): Pathogenic/Likely pathogenic. Review status: criteria provided, multiple submitters, no conflicts (2 of 4 stars). 11 submissions from 11 submitters: Pathogenic (1); Likely pathogenic (9). 1 of the submissions does not count toward it. Last evaluated 2025-03-14.

Conditions:
Juvenile myelomonocytic leukemia (JMML). Also called: LEUKEMIA, JUVENILE MYELOMONOCYTIC, SOMATIC. Identifiers: Orphanet 86834, MedGen C0349639, MONDO:0011908, OMIM 607785, HP:0012209.
Neurofibromatosis-Noonan syndrome (NFNS). Also called: NEUROFIBROMATOSIS WITH NOONAN PHENOTYPE. Identifiers: Orphanet 638, MedGen C2931482, MONDO:0011035, OMIM 601321. Disease mechanism: loss of function.
Café-au-lait macules with pulmonary stenosis (WTSN). Also called: PULMONIC STENOSIS WITH CAFE-AU-LAIT SPOTS. Identifiers: MedGen C0553586, MONDO:0008672, OMIM 193520.
Neurofibromatosis, type 1 (NF1). Also called: Peripheral type neurofibromatosis; VON RECKLINGHAUSEN DISEASE; NEUROFIBROMATOSIS, TYPE I, SOMATIC; Neurofibromatosis, type I. Identifiers: Orphanet 636, MedGen C0027831, MONDO:0018975, OMIM 162200. Disease mechanism: loss of function.
Neurofibromatosis, familial spinal (FSNF). Identifiers: Orphanet 636, MedGen C1834235, MONDO:0008078, OMIM 162210. Disease mechanism: loss of function.
Hereditary cancer-predisposing syndrome. Also called: Tumor predisposition; Hereditary Cancer Syndrome; Neoplastic Syndromes, Hereditary; Hereditary neoplastic syndrome. Identifiers: Orphanet 140162, MedGen C0027672, MeSH D009386, MONDO:0015356.

Submissions (11):

Labcorp Genetics (formerly Invitae), Labcorp
Classification: Pathogenic for Neurofibromatosis, type 1. Last evaluated: 2025-03-14. Review status: criteria provided, single submitter. Criteria: Invitae Variant Classification Sherloc (09022015). Collection method: clinical testing. Allele origin: germline.
Comment: This sequence change replaces leucine, which is neutral and non-polar, with proline, which is neutral and non-polar, at codon 898 of the NF1 protein (p.Leu898Pro). This variant is not present in population databases (gnomAD no frequency). This missense change has been observed in individual(s) with clinically diagnosed neurofibromatosis type 1 (NF1) (PMID: 9150739, 12522551, 20605257, 21512413, 24676943, 29415745, 29685074). In at least one individual the variant was observed to be de novo. ClinVar contains an entry for this variant (Variation ID: 68326). Invitae Evidence Modeling of protein sequence and biophysical properties (such as structural, functional, and spatial information, amino acid conservation, physicochemical variation, residue mobility, and thermodynamic stability) indicates that this missense variant is expected to disrupt NF1 protein function with a positive predictive value of 95%. For these reasons, this variant has been classified as Pathogenic.

GeneDx
Classification: Likely pathogenic. Last evaluated: 2024-09-16. Review status: criteria provided, single submitter. Criteria: GeneDx Variant Classification Process June 2021. Collection method: clinical testing. Allele origin: germline. Affected: yes.
Comment: In silico analysis supports that this missense variant has a deleterious effect on protein structure/function; Not observed at significant frequency in large population cohorts (gnomAD); This variant is associated with the following publications: (PMID: 21512413, 24676943, 24803665, 28152038, 18021924, 16527612, 31370276, 30308447, 9150739, 28924536, 29685074, 29415745, 12522551, 20605257, 31766501, 26659599, 25486365, 2121369, 37272364)

Institute for Genomic Medicine (IGM) Clinical Laboratory, Nationwide Children's Hospital
Classification: Likely pathogenic for Neurofibromatosis, type 1. Last evaluated: 2024-08-30. Review status: criteria provided, single submitter. Criteria: ACMG Guidelines, 2015. Collection method: clinical testing. Allele origin: germline.
Comment: This variant has been reported at an elevated frequency in affected individuals/in multiple affected individuals in the literature (ACMG/AMP: PS4; PMIDs:9150739, 12522551, 20605257, 21512413, 24676943, 29415745, 29685074, 30308447). This variant is absent from or present at an exceedingly low frequency in gnomAD, a large-scale control population database (ACMG/AMP: PM2). This variant is predicted to alter protein function or structure, or disrupt splicing by multiple in silico tools (ACMG/AMP: PP3).

Genomic Medicine Center of Excellence, King Faisal Specialist Hospital and Research Centre
Classification: Likely pathogenic for Neurofibromatosis, type 1. Last evaluated: 2024-03-25. Review status: criteria provided, single submitter. Criteria: ACMG Guidelines, 2015. Collection method: clinical testing. Allele origin: germline.

St. Jude Molecular Pathology, St. Jude Children's Research Hospital
Classification: Likely pathogenic for Neurofibromatosis, type 1. Last evaluated: 2024-02-06. Review status: criteria provided, single submitter. Criteria: St. Jude Assertion Criteria 2020. Collection method: clinical testing. Allele origin: germline. Affected: yes.
Comment: The NF1 c.2693T>C (p.Leu898Pro) missense change is absent in gnomAD v2.1.1. The in silico tool REVEL predicts a deleterious effect on protein function, but this prediction has not been confirmed by functional studies. This variant has been reported in multiple individuals with neurofibromatosis type 1 (PMID: 12522551, 20605257, 21512413, 24676943, internal data). In summary, this variant meets criteria to be classified as likely pathogenic.

Mayo Clinic Laboratories, Mayo Clinic
Classification: Likely pathogenic. Last evaluated: 2023-06-28. Review status: criteria provided, single submitter. Criteria: ACMG Guidelines, 2015. Collection method: clinical testing. Allele origin: germline. Observed: 1 variant allele.
Comment: PP3, PP4, PM2_moderate, PM6

Genome-Nilou Lab
Classification: Likely pathogenic for Neurofibromatosis, type 1. Last evaluated: 2022-03-15. Review status: criteria provided, single submitter. Criteria: ACMG Guidelines, 2015. Collection method: clinical testing. Allele origin: germline. Affected: no.

Fulgent Genetics
Classification: Likely pathogenic for Neurofibromatosis, type 1; Neurofibromatosis, familial spinal; Café-au-lait macules with pulmonary stenosis; Neurofibromatosis-Noonan syndrome; Juvenile myelomonocytic leukemia. Last evaluated: 2021-12-20. Review status: criteria provided, single submitter. Criteria: ACMG Guidelines, 2015. Collection method: clinical testing. Allele origin: unknown.

Genome Diagnostics Laboratory, The Hospital for Sick Children
Classification: Likely pathogenic for Neurofibromatosis, type 1. Last evaluated: 2020-10-26. Review status: criteria provided, single submitter. Criteria: ACMG Guidelines, 2015. Collection method: clinical testing. Allele origin: germline. Affected: yes.

Ambry Genetics
Classification: Likely pathogenic for Hereditary cancer-predisposing syndrome. Last evaluated: 2015-10-01. Review status: criteria provided, single submitter. Criteria: Ambry Autosomal Dominant and X-Linked criteria (10/2015). Collection method: clinical testing. Allele origin: germline. Observed: 1 variant allele.
Comment: The p.L898P variant (also known as c.2693T>C), located in coding exon 21 of the NF1 gene, results from a T to C substitution at nucleotide position 2693. The leucine at codon 898 is replaced by proline, an amino acid with similar properties. This alteration has been previously reported in the literature in individuals with sporadic neurofibromatosis type 1 and was described as a de novo mutation in one study (Wang Q et al. Hum. Genet. 2003; 112:117-23, Maynard J et al. Hum. Genet. 1997; 99:674-6). This variant was previously reported in the SNPDatabase as rs199474786; however, no frequency data is currently available from this database, the NHLBI Exome Sequencing Project (ESP), or the 1000 Genomes Project databases. To date, this alteration has been detected with an allele frequency of approximately 0.002% (greater than 55000 alleles tested) in our clinical cohort. This amino acid position is highly conserved in available vertebrate species. In addition, this alteration is predicted to be deleterious by in silico analysis. Based on the majority of available evidence to date, this variant is likely to be pathogenic.

UniProtKB/Swiss-Prot
No classification provided. Review status: no classification provided. Collection method: not provided. Allele origin: not provided. Not counted in ClinVar's aggregate classification.

Literature cited by the submitters: PubMed 9150739 (cited by 4 submitters); PubMed 12522551 (cited by 4 submitters); PubMed 20605257 (cited by 3 submitters); PubMed 21512413 (cited by 3 submitters); PubMed 24676943 (cited by Labcorp Genetics (formerly Invitae), Labcorp and Institute for Genomic Medicine (IGM) Clinical Laboratory, Nationwide Children's Hospital); PubMed 29415745 (cited by 3 submitters); PubMed 29685074 (cited by Labcorp Genetics (formerly Invitae), Labcorp and Institute for Genomic Medicine (IGM) Clinical Laboratory, Nationwide Children's Hospital); PubMed 30308447 (cited by Institute for Genomic Medicine (IGM) Clinical Laboratory, Nationwide Children's Hospital); PubMed 31370276 (cited by Mayo Clinic Laboratories, Mayo Clinic).

NM_001042492.3(NF1):c.2693T>C (p.Leu898Pro)

Gene: NF1 (neurofibromin 1; plus strand). Cytogenetic location: 17q11.2.
Variant type: single nucleotide variant.
Coding change: c.2693T>C on transcript NM_001042492.3 (MANE Select); coding-DNA position 2693, T replaced by C.
Protein change: p.Leu898Pro; replaces leucine 898 with proline.
Molecular consequence: missense variant.
Genome position (GRCh38, 1-based): chr17:31,229,308, T>C. VCF-style: chr17-31229308-T-C. GRCh37 (hg19) VCF-style: chr17-29556326-T-C.
Other names: c.2693T>C, p.Leu898Pro (NM_000267.4); short protein forms L898P.
Identifiers: ClinVar variation 68326 (VCV000068326.21), dbSNP rs199474786, ClinGen allele CA165101.